The following is an entry in ClinVar:

ClinVar aggregate classification (germline): Uncertain significance (1 of 4 stars; one submission).

Submission:

GeneDx
Classification: Uncertain significance. Last evaluated: 2026-01-30. Review status: criteria provided, single submitter. Criteria: GeneDx Variant Classification Process June 2021. Collection method: clinical testing. Allele origin: germline. Affected: yes.
Comment: Not observed at significant frequency in large population cohorts (gnomAD); In silico analysis supports that this missense variant has a deleterious effect on protein structure/function; Has not been previously published as pathogenic or benign to our knowledge

NM_001543.5(NDST1):c.950A>T (p.Asp317Val)

Gene: NDST1 (N-deacetylase and N-sulfotransferase 1; plus strand). Cytogenetic location: 5q33.1.
Variant type: single nucleotide variant.
Coding change: c.950A>T on transcript NM_001543.5 (MANE Select); coding-DNA position 950, A replaced by T.
Protein change: p.Asp317Val; replaces aspartic acid 317 with valine.
Molecular consequence: missense variant.
Genome position (GRCh38, 1-based): chr5:150,528,240, A>T. VCF-style: chr5-150528240-A-T. GRCh37 (hg19) VCF-style: chr5-149907802-A-T.
Other names: c.950A>T, p.Asp317Val (NM_001301063.2); short protein forms D317V.
Identifiers: ClinVar variation 3371302 (VCV003371302.2).